The following is an entry in ClinVar:

NM_015559.3(SETBP1):c.607G>A (p.Gly203Ser)

Gene: SETBP1 (SET binding protein 1; plus strand). Cytogenetic location: 18q12.3.
Variant type: single nucleotide variant.
Coding change: c.607G>A on transcript NM_015559.3 (MANE Select); coding-DNA position 607, G replaced by A.
Protein change: p.Gly203Ser; replaces glycine 203 with serine.
Molecular consequence: missense variant.
Genome position (GRCh38, 1-based): chr18:44,949,947, G>A. VCF-style: chr18-44949947-G-A. GRCh37 (hg19) VCF-style: chr18-42529912-G-A.
Other names: c.607G>A, p.Gly203Ser (NM_001379141.1, NM_001379142.1); short protein forms G203S.
Identifiers: ClinVar variation 1256654 (VCV001256654.13), dbSNP rs771044406, ClinGen allele CA8945468.

ClinVar aggregate classification (germline): Benign/Likely benign. Review status: criteria provided, multiple submitters, no conflicts (2 of 4 stars). 4 submissions from 4 submitters: Benign (1); Likely benign (2). 1 of the submissions does not count toward it. Last evaluated 2025-10-02.

Conditions:
SETBP1-related disorder. Also called: SETBP1-related condition; SETBP1-related disorders.

Allele frequency attached by ClinVar (database versions not stated): TOPMed 0.00007; gnomAD 0.00014; ExAC 0.00017; gnomAD exomes 0.00018.
gnomAD v4.1: 126 of 1,613,826 alleles (0.0078%); highest among the groups gnomAD compares: Middle Eastern, 0.016%; no homozygotes.

Submissions (4):

Labcorp Genetics (formerly Invitae), Labcorp
Classification: Likely benign. Last evaluated: 2025-10-02. Review status: criteria provided, single submitter. Criteria: Invitae Variant Classification Sherloc (09022015). Collection method: clinical testing. Allele origin: germline.

Blueprint Genetics
Classification: Likely benign. Last evaluated: 2024-10-22. Review status: criteria provided, single submitter. Criteria: ACMG Guidelines, 2015. Collection method: clinical testing. Allele origin: germline.

GeneDx
Classification: Benign. Last evaluated: 2019-07-15. Review status: criteria provided, single submitter. Criteria: GeneDx Variant Classification Process June 2021. Collection method: clinical testing. Allele origin: germline. Affected: yes.

PreventionGenetics, part of Exact Sciences
Classification: Likely benign for SETBP1-related condition. Last evaluated: 2022-11-02. Review status: no assertion criteria provided. Collection method: clinical testing. Allele origin: germline. Not counted in ClinVar's aggregate classification.
Comment: This variant is classified as likely benign based on ACMG/AMP sequence variant interpretation guidelines (Richards et al. 2015 PMID: 25741868, with internal and published modifications).